The following is an entry in ClinVar:

ClinVar aggregate classification (germline): Uncertain significance (1 of 4 stars; one submission).

Submission:

Labcorp Genetics (formerly Invitae), Labcorp
Classification: Uncertain significance. Last evaluated: 2025-06-12. Review status: criteria provided, single submitter. Criteria: Invitae Variant Classification Sherloc (09022015). Collection method: clinical testing. Allele origin: germline.
Comment: This sequence change replaces glycine, which is neutral and non-polar, with serine, which is neutral and polar, at codon 126 of the EMC1 protein (p.Gly126Ser). This variant is not present in population databases (gnomAD no frequency). This variant has not been reported in the literature in individuals affected with EMC1-related conditions. Invitae Evidence Modeling of protein sequence and biophysical properties (such as structural, functional, and spatial information, amino acid conservation, physicochemical variation, residue mobility, and thermodynamic stability) indicates that this missense variant is not expected to disrupt EMC1 protein function with a negative predictive value of 80%. In summary, the available evidence is currently insufficient to determine the role of this variant in disease. Therefore, it has been classified as a Variant of Uncertain Significance.

NM_015047.3(EMC1):c.376G>A (p.Gly126Ser)

Gene: EMC1 (ER membrane protein complex subunit 1; minus strand). Cytogenetic location: 1p36.13.
Variant type: single nucleotide variant.
Coding change: c.376G>A on transcript NM_015047.3 (MANE Select); coding-DNA position 376, G replaced by A.
Protein change: p.Gly126Ser; replaces glycine 126 with serine.
Molecular consequence: missense variant.
Genome position (GRCh38, 1-based): chr1:19,243,618, C>T on the plus strand (G>A on the coding strand, the complement: EMC1 is on the minus strand). VCF-style: chr1-19243618-C-T. GRCh37 (hg19) VCF-style: chr1-19570112-C-T.
Other names: c.376G>A, p.Gly126Ser (NM_001271427.2, NM_001271428.2, NM_001375820.1 and 1 more transcripts); c.310G>A, p.Gly104Ser (NM_001271429.2); short protein forms G104S, G126S.
Identifiers: ClinVar variation 4742123 (VCV004742123.1).
Genomic context (GRCh38, chr1:19,243,618, plus strand): 5'-CTGTGTTCCGGTGAAGCCTTTAACTCAGTCAAGATAAAATCCAGTTTCTCCCCTACCTGC[C>T]ACTGTCCAGGGTTATCTCCCAGTTCAGGCCCCCGATGTTAGTCTCCCAGGAACGCATGAT-3'
Protein context (NP_055862.1, residues 116-136): GLNWEITLDS[Gly126Ser]SFQALGLVGL